The following is an entry in ClinVar:

NM_001349338.3(FOXP1):c.1736A>G (p.Glu579Gly)

Gene: FOXP1 (forkhead box P1; minus strand). Cytogenetic location: 3p13.
Variant type: single nucleotide variant.
Coding change: c.1736A>G on transcript NM_001349338.3 (MANE Select); coding-DNA position 1736, A replaced by G.
Protein change: p.Glu579Gly; replaces glutamic acid 579 with glycine.
Molecular consequence: missense variant. On other transcripts: non-coding transcript variant (2).
Genome position (GRCh38, 1-based): chr3:70,966,043, T>C on the plus strand (A>G on the coding strand, the complement: FOXP1 is on the minus strand). VCF-style: chr3-70966043-T-C. GRCh37 (hg19) VCF-style: chr3-71015194-T-C.
Other names: c.1433A>G, p.Glu478Gly (NM_001370548.1, NM_001349343.3, NM_001349344.3 and 1 more transcripts); c.1736A>G, p.Glu579Gly (NM_032682.6, NM_001244814.3, NM_001244816.2 and 1 more transcripts); c.1436A>G, p.Glu479Gly (NM_001349342.3, NM_001244813.3, NM_001244815.2); c.1733A>G, p.Glu578Gly (NM_001244808.3, NM_001349341.3); c.1784A>G, p.Glu595Gly (NM_001244810.2); c.1508A>G, p.Glu503Gly (NM_001244812.3); short protein forms E503G, E595G, E478G, E479G, E578G, E579G.
Identifiers: ClinVar variation 2804087 (VCV002804087.3), dbSNP rs2034694477, ClinGen allele CA353489766.

ClinVar aggregate classification (germline): Uncertain significance (1 of 4 stars; one submission).

Allele frequency attached by ClinVar (database versions not stated): gnomAD 0.00001.
gnomAD v4.1: 1 of 1,614,028 alleles (0.000062%); highest among the groups gnomAD compares: Admixed American, 0.0017%; no homozygotes.

Submission:

Labcorp Genetics (formerly Invitae), Labcorp
Classification: Uncertain significance. Last evaluated: 2024-10-22. Review status: criteria provided, single submitter. Criteria: Invitae Variant Classification Sherloc (09022015). Collection method: clinical testing. Allele origin: germline.
Comment: This sequence change replaces glutamic acid, which is acidic and polar, with glycine, which is neutral and non-polar, at codon 579 of the FOXP1 protein (p.Glu579Gly). This variant is not present in population databases (gnomAD no frequency). This variant has not been reported in the literature in individuals affected with FOXP1-related conditions. Invitae Evidence Modeling of protein sequence and biophysical properties (such as structural, functional, and spatial information, amino acid conservation, physicochemical variation, residue mobility, and thermodynamic stability) has been performed for this missense variant. However, the output from this modeling did not meet the statistical confidence thresholds required to predict the impact of this variant on FOXP1 protein function. In summary, the available evidence is currently insufficient to determine the role of this variant in disease. Therefore, it has been classified as a Variant of Uncertain Significance.